The following is an entry in ClinVar:

ClinVar aggregate classification (germline): Uncertain significance (1 of 4 stars; one submission).

gnomAD v4.1: 1 of 1,608,782 alleles (0.000062%); highest among the groups gnomAD compares: Admixed American, 0.0017%; no homozygotes.

Submission:

Labcorp Genetics (formerly Invitae), Labcorp
Classification: Uncertain significance. Last evaluated: 2025-08-08. Review status: criteria provided, single submitter. Criteria: Invitae Variant Classification Sherloc (09022015). Collection method: clinical testing. Allele origin: germline.
Comment: This sequence change replaces proline, which is neutral and non-polar, with serine, which is neutral and polar, at codon 1846 of the KMT2A protein (p.Pro1846Ser). This variant is present in population databases (rs782292919, gnomAD 0.003%). This variant has not been reported in the literature in individuals affected with KMT2A-related conditions. Invitae Evidence Modeling of protein sequence and biophysical properties (such as structural, functional, and spatial information, amino acid conservation, physicochemical variation, residue mobility, and thermodynamic stability) has been performed for this missense variant. However, the output from this modeling did not meet the statistical confidence thresholds required to predict the impact of this variant on KMT2A protein function. In summary, the available evidence is currently insufficient to determine the role of this variant in disease. Therefore, it has been classified as a Variant of Uncertain Significance.

NM_001197104.2(KMT2A):c.5536C>T (p.Pro1846Ser)

Gene: KMT2A (lysine methyltransferase 2A; plus strand). Cytogenetic location: 11q23.3.
Variant type: single nucleotide variant.
Coding change: c.5536C>T on transcript NM_001197104.2 (MANE Select); coding-DNA position 5536, C replaced by T.
Protein change: p.Pro1846Ser; replaces proline 1846 with serine.
Molecular consequence: missense variant.
Genome position (GRCh38, 1-based): chr11:118,495,872, C>T. VCF-style: chr11-118495872-C-T. GRCh37 (hg19) VCF-style: chr11-118366587-C-T.
Other names: c.5626C>T, p.Pro1876Ser (NM_001412597.1); c.5527C>T, p.Pro1843Ser (NM_005933.4); short protein forms P1843S, P1846S, P1876S.
Identifiers: ClinVar variation 4778317 (VCV004778317.1).